The following is an entry in ClinVar:

ClinVar aggregate classification (germline): Pathogenic. Review status: criteria provided, multiple submitters, no conflicts (2 of 4 stars). 2 submissions from 2 submitters: Pathogenic (2). Last evaluated 2025-10-28.

Conditions:
Tuberous sclerosis 2 (TSC2). Identifiers: Orphanet 805, MedGen C1860707, MONDO:0013199, OMIM 613254.

Submissions (2):

Labcorp Genetics (formerly Invitae), Labcorp
Classification: Pathogenic for Tuberous sclerosis 2. Last evaluated: 2025-10-28. Review status: criteria provided, single submitter. Criteria: Invitae Variant Classification Sherloc (09022015). Collection method: clinical testing. Allele origin: germline.
Comment: This sequence change affects a donor splice site in intron 7 of the TSC2 gene. It is expected to disrupt RNA splicing. Variants that disrupt the donor or acceptor splice site typically lead to a loss of protein function (PMID: 16199547), and loss-of-function variants in TSC2 are known to be pathogenic (PMID: 10205261, 17304050). This variant is not present in population databases (gnomAD no frequency). Disruption of this splice site has been observed in individual(s) with tuberous sclerosis (PMID: 29196670). In at least one individual the variant was observed to be de novo. ClinVar contains an entry for this variant (Variation ID: 3220903). Algorithms developed to predict the effect of sequence changes on RNA splicing suggest that this variant may disrupt the consensus splice site. For these reasons, this variant has been classified as Pathogenic.

Equipe Genetique des Anomalies du Developpement, Université de Bourgogne
Classification: Pathogenic for Tuberous sclerosis 2. Last evaluated: 2024-01-02. Review status: criteria provided, single submitter. Criteria: ACMG Guidelines, 2015. Collection method: clinical testing. Allele origin: maternal. Affected: yes. Observed: 2 variant alleles.

Literature cited by the submitters: PubMed 16199547 (cited by Labcorp Genetics (formerly Invitae), Labcorp); PubMed 10205261 (cited by Labcorp Genetics (formerly Invitae), Labcorp); PubMed 17304050 (cited by Labcorp Genetics (formerly Invitae), Labcorp); PubMed 29196670 (cited by Labcorp Genetics (formerly Invitae), Labcorp).

NM_000548.5(TSC2):c.648+1G>C

Gene: TSC2 (TSC complex subunit 2; plus strand). Cytogenetic location: 16p13.3.
Variant type: single nucleotide variant.
Coding change: c.648+1G>C on transcript NM_000548.5 (MANE Select); the canonical splice donor site of the intron after coding-DNA position 648, G replaced by C.
Molecular consequence: splice donor variant.
Genome position (GRCh38, 1-based): chr16:2,056,245, G>C. VCF-style: chr16-2056245-G-C. GRCh37 (hg19) VCF-style: chr16-2106246-G-C.
Other names: c.648+1G>C (NM_001363528.2, NM_001406665.1, NM_001370404.1 and 8 more transcripts); c.-665+1G>C (NM_001406694.1, NM_001406695.1); c.-772+1G>C (NM_001406696.1); c.186+1G>C (NM_001406681.1); c.537+1G>C (NM_001406670.1, NM_001318827.2, NM_001406678.1); c.48+1G>C (NM_001406682.1, NM_001406684.1, NM_001406685.1 and 6 more transcripts); c.591+1G>C (NM_001406677.1); c.501+1G>C (NM_001406675.1, NM_001406676.1, NM_001318829.2 and 1 more transcripts); and 4 more.
Identifiers: ClinVar variation 3220903 (VCV003220903.2), dbSNP rs45488893, ClinGen allele CA394311107.